The following is an entry in ClinVar:

ClinVar aggregate classification (germline): Uncertain significance (1 of 4 stars; one submission).

Conditions:
ACTH-independent macronodular adrenal hyperplasia 2. Also called: PRIMARY MACRONODULAR ADRENAL HYPERPLASIA. Identifiers: Orphanet 189427, MedGen C4014803, MONDO:0014416, OMIM 615954.

Submission:

Institute for Genomic Medicine (IGM) Clinical Laboratory, Nationwide Children's Hospital
Classification: Uncertain significance for ACTH-independent macronodular adrenal hyperplasia 2. Last evaluated: 2023-05-02. Review status: criteria provided, single submitter. Criteria: ACMG Guidelines, 2015. Collection method: clinical testing. Allele origin: germline.
Comment: This variant is predicted to result in loss of function through nonsense-mediated decay of the encoded transcript or premature truncation of the encoded protein in a gene in which loss of function is a known mechanism of disease (ACMG/AMP: PVS1_Moderate; PMIDs:24283224, 24708098). This variant is absent from or present at an exceedingly low frequency in gnomAD, a large-scale control population database (ACMG/AMP: PM2).

Literature cited by the submitters: PubMed 24283224; PubMed 24708098.

NM_001105247.2(ARMC5):c.1864+200del

Gene: ARMC5 (armadillo repeat containing 5; plus strand). Cytogenetic location: 16p11.2.
Variant type: Deletion.
Coding change: c.1864+200del on transcript NM_001105247.2 (MANE Select); 200 bases into the intron after coding-DNA position 1864, one base deleted (C; older notation c.1864+200delC).
Molecular consequence: intron variant. On other transcripts: frameshift variant (1).
Genome position (GRCh38, 1-based): chr16:31,465,087, C deleted; the last of 2 consecutive C bases (chr16:31,465,086-31,465,087); deleting either gives the same sequence. VCF-style (leftmost placement, unchanged base first): chr16-31465085-TC-T. GRCh37 (hg19) VCF-style: chr16-31476406-TC-T.
Other names: c.2064del, p.Ser689fs (NM_024742.2); c.2149+200del (NM_001288767.2); c.1960+200del (NM_001301820.1); short protein forms S689fs.
Identifiers: ClinVar variation 4759297 (VCV004759297.1).
Genomic context (GRCh38, chr16:31,465,085, plus strand): 5'-TGGGGTGGGGAGCAGGGCGTTCCAGTCCCTCCATGGGCCCACAGGCAGAGTTCTGCTGTG[TC>T]CTCTGCCCTAGCCCTGGGACCCAGATACCCTAACTCTAGATGCAGCCCCGCGCCCAGGAT-3'